The following is an entry in ClinVar:

NM_000179.3(MSH6):c.3348C>T (p.Gly1116=)

Gene: MSH6 (mutS homolog 6; plus strand). Cytogenetic location: 2p16.3.
Variant type: single nucleotide variant.
Coding change: c.3348C>T on transcript NM_000179.3 (MANE Select); coding-DNA position 3348, C replaced by T.
Protein change: p.Gly1116=; no amino-acid change (glycine 1116 retained).
Molecular consequence: synonymous variant. On other transcripts: non-coding transcript variant (5).
Genome position (GRCh38, 1-based): chr2:47,803,595, C>T. VCF-style: chr2-47803595-C-T. GRCh37 (hg19) VCF-style: chr2-48030734-C-T.
Other names: c.2958C>T, p.Gly986= (NM_001281492.2); c.2442C>T, p.Gly814= (NM_001281493.2, NM_001281494.2, NM_001406811.1 and 6 more transcripts); c.3444C>T, p.Gly1148= (NM_001406795.1, NM_001406802.1); c.3348C>T, p.Gly1116= (NM_001406796.1, NM_001406800.1, NM_001406808.1 and 1 more transcripts); c.3051C>T, p.Gly1017= (NM_001406797.1, NM_001406801.1, NM_001406805.1 and 10 more transcripts); c.3174C>T, p.Gly1058= (NM_001406798.1); c.2823C>T, p.Gly941= (NM_001406799.1, NM_001406806.1, NM_001406807.1); c.2484C>T, p.Gly828= (NM_001406803.1); and 7 more.
Identifiers: ClinVar variation 1730479 (VCV001730479.6), dbSNP rs771833309, ClinGen allele CA070695.

ClinVar aggregate classification (germline): Benign/Likely benign. Review status: criteria provided, multiple submitters, no conflicts (2 of 4 stars). 3 submissions from 3 submitters: Benign (1); Likely benign (2). Last evaluated 2025-01-06.

Conditions:
Hereditary nonpolyposis colorectal neoplasms. Identifiers: MedGen C0009405, MeSH D003123.
Hereditary cancer-predisposing syndrome. Also called: Neoplastic Syndromes, Hereditary; Tumor predisposition; Hereditary Cancer Syndrome; Hereditary neoplastic syndrome. Identifiers: Orphanet 140162, MedGen C0027672, MeSH D009386, MONDO:0015356.
Lynch syndrome 5 (LYNCH5). Also called: Hereditary non-polyposis colorectal cancer, type 5; Colorectal cancer, hereditary nonpolyposis, type 5. Identifiers: Orphanet 144, MedGen C1833477, MONDO:0013710, OMIM 614350. Disease mechanism: loss of function.

Allele frequency attached by ClinVar (database versions not stated): ExAC 0.00001.
gnomAD v4.1: 1 of 1,614,078 alleles (0.000062%); highest among the groups gnomAD compares: Non-Finnish European, 0.000085%; no homozygotes.

Submissions (3):

Myriad Genetics, Inc.
Classification: Benign for Lynch syndrome 5. Last evaluated: 2025-01-06. Review status: criteria provided, single submitter. Criteria: Myriad Autosomal Dominant, Autosomal Recessive and X-Linked Classification Criteria (2023). Collection method: clinical testing. Allele origin: unknown.
Comment: This variant is considered benign. This variant is a silent/synonymous amino acid change and it is not expected to impact splicing.

Labcorp Genetics (formerly Invitae), Labcorp
Classification: Likely benign for Hereditary nonpolyposis colorectal neoplasms. Last evaluated: 2024-01-04. Review status: criteria provided, single submitter. Criteria: Invitae Variant Classification Sherloc (09022015). Collection method: clinical testing. Allele origin: germline.

Ambry Genetics
Classification: Likely benign for Hereditary cancer-predisposing syndrome. Last evaluated: 2021-07-04. Review status: criteria provided, single submitter. Criteria: Ambry Variant Classification Scheme 2023. Collection method: clinical testing. Allele origin: germline.